The following is an entry in ClinVar:

ClinVar aggregate classification (germline): Benign (0 of 4 stars; one submission).

Conditions:
SCRIB-related disorder. Also called: SCRIB-related condition.

Allele frequency attached by ClinVar (database versions not stated): TOPMed 0.04589; gnomAD 0.04722; ExAC 0.07299; 1000 Genomes Project 30x 0.03170; 1000 Genomes Project 0.03175; ESP Exome Variant Server 0.04419.
gnomAD v4.1: 87,114 of 1,499,702 alleles (5.8%); highest among the groups gnomAD compares: Non-Finnish European, 6.4%; 2,810 homozygotes.

Submission:

PreventionGenetics, part of Exact Sciences
Classification: Benign for SCRIB-related condition. Last evaluated: 2019-10-21. Review status: no assertion criteria provided. Collection method: clinical testing. Allele origin: germline.
Comment: This variant is classified as benign based on ACMG/AMP sequence variant interpretation guidelines (Richards et al. 2015 PMID: 25741868, with internal and published modifications).

NM_182706.5(SCRIB):c.4663G>A (p.Gly1555Ser)

Gene: SCRIB (scribble planar cell polarity protein; minus strand). Cytogenetic location: 8q24.3.
Variant type: single nucleotide variant.
Coding change: c.4663G>A on transcript NM_182706.5 (MANE Select); coding-DNA position 4663, G replaced by A.
Protein change: p.Gly1555Ser; replaces glycine 1555 with serine.
Molecular consequence: missense variant.
Genome position (GRCh38, 1-based): chr8:143,791,908, C>T on the plus strand (G>A on the coding strand, the complement: SCRIB is on the minus strand). VCF-style: chr8-143791908-C-T. GRCh37 (hg19) VCF-style: chr8-144874078-C-T.
Other names: c.4663G>A, p.Gly1555Ser (NM_015356.5); short protein forms G1555S.
Identifiers: ClinVar variation 3060719 (VCV003060719.2), dbSNP rs117338714, ClinGen allele CA4918124.
Genomic context (GRCh38, chr8:143,791,908, plus strand): 5'-AGGGAAGGCATAGCCACCGGCTCCTCACCAGGCGTCCCGGGGAGGTGCTGGTCTGGGGGC[C>T]GAGGTCTGGGGGGACAAGAAGCGGGCATTGGAAGCAGCCCATGCGGCAGGCTGACCCCCC-3'
Protein context (NP_874365.3, residues 1545-1565): TPSPTPVEDL[Gly1555Ser]PQTSTSPGRL